The following is an entry in ClinVar:

ClinVar aggregate classification (germline): Uncertain significance. Review status: criteria provided, multiple submitters, no conflicts (2 of 4 stars). 3 submissions from 3 submitters: Uncertain significance (3). Last evaluated 2024-08-01.

Conditions:
Hereditary cancer-predisposing syndrome. Also called: Neoplastic Syndromes, Hereditary; Hereditary Cancer Syndrome; Tumor predisposition; Hereditary neoplastic syndrome. Identifiers: Orphanet 140162, MedGen C0027672, MeSH D009386, MONDO:0015356.
Ataxia-telangiectasia syndrome (AT). Also called: LOUIS-BAR SYNDROME; Cerebello-oculocutaneous telangiectasia; Immunodeficiency with ataxia telangiectasia; Ataxia-telangiectasia, complementation group D; AT, COMPLEMENTATION GROUP C; Ataxia-telangiectasia, complementation group E. Identifiers: Orphanet 100, MedGen C0004135, MONDO:0008840, OMIM 208900.

Allele frequency attached by ClinVar (database versions not stated): gnomAD exomes below 0.00001.
gnomAD v4.1: 6 of 1,613,960 alleles (0.00037%); highest among the groups gnomAD compares: Non-Finnish European, 0.00051%; no homozygotes.

Submissions (3):

Labcorp Genetics (formerly Invitae), Labcorp
Classification: Uncertain significance for Ataxia-telangiectasia syndrome. Last evaluated: 2024-08-01. Review status: criteria provided, single submitter. Criteria: Invitae Variant Classification Sherloc (09022015). Collection method: clinical testing. Allele origin: germline.
Comment: This sequence change replaces aspartic acid, which is acidic and polar, with glycine, which is neutral and non-polar, at codon 2725 of the ATM protein (p.Asp2725Gly). This variant is not present in population databases (gnomAD no frequency). This variant has not been reported in the literature in individuals affected with ATM-related conditions. ClinVar contains an entry for this variant (Variation ID: 482631). An algorithm developed to predict the effect of missense changes on protein structure and function (PolyPhen-2) suggests that this variant is likely to be disruptive. In summary, the available evidence is currently insufficient to determine the role of this variant in disease. Therefore, it has been classified as a Variant of Uncertain Significance.

Ambry Genetics
Classification: Uncertain significance for Hereditary cancer-predisposing syndrome. Last evaluated: 2024-06-24. Review status: criteria provided, single submitter. Criteria: Ambry Variant Classification Scheme 2023. Collection method: clinical testing. Allele origin: germline.
Comment: The p.D2725G variant (also known as c.8174A>G), located in coding exon 55 of the ATM gene, results from an A to G substitution at nucleotide position 8174. The aspartic acid at codon 2725 is replaced by glycine, an amino acid with similar properties. This alteration has been reported in at least one subject in a study of 13087 breast cancer cases and 5488 control individuals in the UK (Decker B et al. J. Med. Genet., 2017 11;54(11):732-741). This amino acid position is highly conserved in available vertebrate species. In addition, this alteration is predicted to be deleterious by in silico analysis. Based on the available evidence, the clinical significance of this variant remains unclear.

Color Diagnostics, LLC DBA Color Health
Classification: Uncertain significance for Hereditary cancer-predisposing syndrome. Last evaluated: 2023-04-24. Review status: criteria provided, single submitter. Criteria: ACMG Guidelines, 2015. Collection method: clinical testing. Allele origin: germline.
Comment: This missense variant replaces aspartic acid with glycine at codon 2725 of the ATM protein. Computational prediction suggests that this variant may have deleterious impact on protein structure and function (internally defined REVEL score threshold >= 0.7, PMID: 27666373). To our knowledge, functional studies have not been reported for this variant. This variant has been reported in individuals affected with breast cancer (PMID: 28779002, 33471991) and T-cell prolymphocytic leukemia (PMID: 9334731). This variant has not been identified in the general population by the Genome Aggregation Database (gnomAD). The available evidence is insufficient to determine the role of this variant in disease conclusively. Therefore, this variant is classified as a Variant of Uncertain Significance.

Literature cited by the submitters: PubMed 28779002 (cited by Ambry Genetics and Color Diagnostics, LLC DBA Color Health); PubMed 9334731 (cited by Color Diagnostics, LLC DBA Color Health); PubMed 33471991 (cited by Color Diagnostics, LLC DBA Color Health).

NM_000051.4(ATM):c.8174A>G (p.Asp2725Gly)

Genes: ATM (ATM serine/threonine kinase; plus strand), C11orf65 (chromosome 11 open reading frame 65; minus strand). Cytogenetic location: 11q22.3.
Variant type: single nucleotide variant.
Coding change: c.8174A>G on transcript NM_000051.4 (MANE Select); coding-DNA position 8174, A replaced by G.
Protein change: p.Asp2725Gly; replaces aspartic acid 2725 with glycine.
Molecular consequence: missense variant. On other transcripts: intron variant (2).
Genome position (GRCh38, 1-based): chr11:108,335,867, A>G. VCF-style: chr11-108335867-A-G. GRCh37 (hg19) VCF-style: chr11-108206594-A-G.
Other names: c.8174A>G, p.Asp2725Gly (NM_001351834.2); c.641-26796T>C (NM_001330368.2); c.695-575T>C (NM_001351110.2); short protein forms D2725G.
Identifiers: ClinVar variation 482631 (VCV000482631.17), dbSNP rs1555128314, ClinGen allele CA382562502.